The following is an entry in ClinVar:

ClinVar aggregate classification (germline): Uncertain significance (1 of 4 stars; one submission).

Conditions:
Congenital myasthenic syndrome 5. Identifiers: Orphanet 590, MedGen C1864233, MONDO:0011281, OMIM 603034.

Submission:

Labcorp Genetics (formerly Invitae), Labcorp
Classification: Uncertain significance for Endplate acetylcholinesterase deficiency. Last evaluated: 2018-10-31. Review status: criteria provided, single submitter. Criteria: Invitae Variant Classification Sherloc (09022015). Collection method: clinical testing. Allele origin: germline.
Comment: This sequence change replaces cysteine with arginine at codon 51 of the COLQ protein (p.Cys51Arg). The cysteine residue is highly conserved and there is a large physicochemical difference between cysteine and arginine. This variant is not present in population databases (ExAC no frequency). This variant has not been reported in the literature in individuals with COLQ-related disease. Algorithms developed to predict the effect of missense changes on protein structure and function (SIFT, PolyPhen-2, Align-GVGD) all suggest that this variant is likely to be disruptive, but these predictions have not been confirmed by published functional studies and their clinical significance is uncertain. In summary, the available evidence is currently insufficient to determine the role of this variant in disease. Therefore, it has been classified as a Variant of Uncertain Significance.

NM_005677.4(COLQ):c.151T>C (p.Cys51Arg)

Gene: COLQ (collagen like tail subunit of asymmetric acetylcholinesterase; minus strand). Cytogenetic location: 3p25.1.
Variant type: single nucleotide variant.
Coding change: c.151T>C on transcript NM_005677.4 (MANE Select); coding-DNA position 151, T replaced by C.
Protein change: p.Cys51Arg; replaces cysteine 51 with arginine.
Molecular consequence: missense variant.
Genome position (GRCh38, 1-based): chr3:15,489,593, A>G on the plus strand (T>C on the coding strand, the complement: COLQ is on the minus strand). VCF-style: chr3-15489593-A-G. GRCh37 (hg19) VCF-style: chr3-15531100-A-G.
Other names: c.121T>C, p.Cys41Arg (NM_080538.2); c.151T>C, p.Cys51Arg (NM_080539.4); short protein forms C41R, C51R.
Identifiers: ClinVar variation 651890 (VCV000651890.1), dbSNP rs1575483857, ClinGen allele CA351601537.